The following is an entry in ClinVar:

ClinVar aggregate classification (germline): Uncertain significance (1 of 4 stars; one submission).

Submission:

Ambry Genetics
Classification: Uncertain significance. Last evaluated: 2021-07-20. Review status: criteria provided, single submitter. Criteria: Ambry Variant Classification Scheme 2023. Collection method: clinical testing. Allele origin: germline.
Comment: The p.A519P variant (also known as c.1555G>C), located in coding exon 13 of the NPAT gene, results from a G to C substitution at nucleotide position 1555. The alanine at codon 519 is replaced by proline, an amino acid with highly similar properties. This amino acid position is conserved. In addition, this alteration is predicted to be tolerated by in silico analysis. Since supporting evidence is limited at this time, the clinical significance of this alteration remains unclear.

NM_002519.3(NPAT):c.1555G>C (p.Ala519Pro)

Gene: NPAT (nuclear protein, coactivator of histone transcription; minus strand). Cytogenetic location: 11q22.3.
Variant type: single nucleotide variant.
Coding change: c.1555G>C on transcript NM_002519.3 (MANE Select); coding-DNA position 1555, G replaced by C.
Protein change: p.Ala519Pro; replaces alanine 519 with proline.
Molecular consequence: missense variant.
Genome position (GRCh38, 1-based): chr11:108,173,429, C>G on the plus strand (G>C on the coding strand, the complement: NPAT is on the minus strand). VCF-style: chr11-108173429-C-G. GRCh37 (hg19) VCF-style: chr11-108044156-C-G.
Other names: c.1555G>C, p.Ala519Pro (NM_001321307.1); short protein forms A519P.
Identifiers: ClinVar variation 1775149 (VCV001775149.2), dbSNP rs753660173, ClinGen allele CA382514882.